The following is an entry in ClinVar:

ClinVar aggregate classification (germline): Pathogenic/Likely pathogenic. Review status: criteria provided, multiple submitters, no conflicts (2 of 4 stars). 2 submissions from 2 submitters: Pathogenic (1); Likely pathogenic (1). Last evaluated 2024-09-01.

Conditions:
Joubert syndrome. Also called: CEREBELLOPARENCHYMAL DISORDER IV; JOUBERT-BOLTSHAUSER SYNDROME; Familial aplasia of the vermis. Identifiers: Orphanet 475, MedGen C5979921, MONDO:0018772.
Nephronophthisis. Also called: Juvenile Nephronophthisis. Identifiers: Orphanet 655, MedGen C0687120, MONDO:0019005, HP:0000090.
Meckel-Gruber syndrome. Also called: DYSENCEPHALIA SPLANCHNOCYSTICA; GRUBER SYNDROME; Dysencephalia splachnocystica. Identifiers: Orphanet 564, MedGen C0265215, MONDO:0018921.
Leber congenital amaurosis (LCA). Also called: Leber's amaurosis. Identifiers: Orphanet 65, MedGen C0339527, MeSH D057130, MONDO:0018998.

Submissions (2):

Natera, Inc.
Classification: Likely pathogenic for Leber congenital amaurosis. Last evaluated: 2024-09-01. Review status: criteria provided, single submitter. Criteria: Natera Variant Classification Schema (03/2026). Collection method: clinical testing. Allele origin: germline.
Comment: The c.1989dup variant in CEP290 is a frameshift variant predicted to shift the reading frame beginning at codon 664 and leads to a stop codon 3 codons downstream. This variant is expected to result in nonsense mediated decay, truncation, or a dysfunctional protein product. This variant is rare in the general population with a frequency below the threshold expected for the associated phenotype(s). Given the available evidence, this variant is classified as Likely Pathogenic.

Labcorp Genetics (formerly Invitae), Labcorp
Classification: Pathogenic for Joubert syndrome; Meckel-Gruber syndrome; Nephronophthisis. Last evaluated: 2023-02-22. Review status: criteria provided, single submitter. Criteria: Invitae Variant Classification Sherloc (09022015). Collection method: clinical testing. Allele origin: germline.
Comment: For these reasons, this variant has been classified as Pathogenic. Algorithms developed to predict the effect of sequence changes on RNA splicing suggest that this variant may disrupt the consensus splice site. This variant has not been reported in the literature in individuals affected with CEP290-related conditions. This variant is not present in population databases (gnomAD no frequency). This sequence change creates a premature translational stop signal (p.Asp664Argfs*3) in the CEP290 gene. It is expected to result in an absent or disrupted protein product. Loss-of-function variants in CEP290 are known to be pathogenic (PMID: 16909394, 17345604, 20690115).

Literature cited by the submitters: PubMed 16909394 (cited by Labcorp Genetics (formerly Invitae), Labcorp); PubMed 17345604 (cited by Labcorp Genetics (formerly Invitae), Labcorp); PubMed 20690115 (cited by Labcorp Genetics (formerly Invitae), Labcorp).

NM_025114.4(CEP290):c.1989dup (p.Asp664fs)

Gene: CEP290 (centrosomal protein 290; minus strand). Cytogenetic location: 12q21.32.
Variant type: Duplication.
Coding change: c.1989dup on transcript NM_025114.4 (MANE Select); coding-DNA position 1989, one base duplicated (A; older notation c.1989dupA).
Protein change: p.Asp664fs; shifts the reading frame from aspartic acid 664.
Molecular consequence: frameshift variant.
Genome position (GRCh38, 1-based): chr12:88,114,483, T duplicated on the plus strand (A on the coding strand, the reverse complement: CEP290 is on the minus strand); the first of 3 consecutive T bases (chr12:88,114,483-88,114,485); duplicating any one gives the same sequence. VCF-style (leftmost placement, unchanged base first): chr12-88114482-C-CT. GRCh37 (hg19) VCF-style: chr12-88508259-C-CT.
Other names: c.1989dup (NM_025114.3); short protein forms D664fs.
Identifiers: ClinVar variation 2944614 (VCV002944614.4), dbSNP rs2500814936, ClinGen allele CA2740092505.
Genomic context (GRCh38, chr12:88,114,482, plus strand): 5'-TAACTAGTCTTTCAAGGCTAGGGATAATTAGAGATGTTTCTCCTCCTTTAACATCAGGAT[C>CT]TTTCTGCATTTCCTTAATTGCTTGCAATATTTCTTTCATACCTTCTTCAAGTTGCTTATT-3'